The following is an entry in ClinVar:

NM_001164463.1(RGPD8):c.5280T>C (p.Pro1760=)

Gene: RGPD8 (RANBP2 like and GRIP domain containing 8; minus strand). Cytogenetic location: 2q14.1.
Variant type: single nucleotide variant.
Coding change: c.5280T>C on transcript NM_001164463.1 (MANE Select); coding-DNA position 5280, T replaced by C.
Protein change: p.Pro1760=; no amino-acid change (proline 1760 retained).
Molecular consequence: synonymous variant.
Genome position (GRCh38, 1-based): chr2:112,370,196, A>G on the plus strand (T>C on the coding strand, the complement: RGPD8 is on the minus strand). VCF-style: chr2-112370196-A-G. GRCh37 (hg19) VCF-style: chr2-113127773-A-G.
Identifiers: ClinVar variation 2651275 (VCV002651275.24), dbSNP rs186330915, ClinGen allele CA1833973.
Genomic context (GRCh38, chr2:112,370,196, plus strand): 5'-ATCAACCTATCGAAGTCCAAACCAACTACGAAGATAGGATGCTCATCCAGAAGAACGGGA[A>G]GGATTTTCTTCCTCATCTTTAGAAAGTAAAACAAAGAAAAAAAAAAGAAAAAAGAGAGTA-3'
Protein context (NP_001157935.1, residues 1750-1765): AAVAQDEEEN[Pro1760=]SRSSG

ClinVar aggregate classification (germline): Likely benign (1 of 4 stars; one submission).

Allele frequency attached by ClinVar (database versions not stated): ESP Exome Variant Server 0.00134; gnomAD 0.00153; 1000 Genomes Project 30x 0.00156; 1000 Genomes Project 0.00160; gnomAD exomes 0.00212; ExAC 0.00279.
gnomAD v4.1: 3,240 of 1,551,778 alleles (0.21%); highest among the groups gnomAD compares: South Asian, 0.79%; 221 homozygotes.

Submission:

CeGaT Center for Human Genetics Tuebingen
Classification: Likely benign. Last evaluated: 2023-01-01. Review status: criteria provided, single submitter. Criteria: CeGaT Center For Human Genetics Tuebingen Variant Classification Criteria Version 2. Collection method: clinical testing. Allele origin: germline. Affected: yes. Observed: 1 variant allele.
Comment: RGPD8: BP4, BP7, BS2